The following is an entry in ClinVar:

ClinVar aggregate classification (germline): Uncertain significance. Review status: criteria provided, multiple submitters, no conflicts (2 of 4 stars). 4 submissions from 4 submitters: Uncertain significance (3). 1 of the submissions does not count toward it. Last evaluated 2025-01-06.

Conditions:
Cardiovascular phenotype. Identifiers: MedGen CN230736.
RASopathy. Also called: rasopathies; Noonan spectrum disorder. Identifiers: Orphanet 536391, MedGen C5555857, MONDO:0021060.
Noonan syndrome (NS). Also called: Noonan's syndrome. Identifiers: Orphanet 648, MedGen C0028326, MeSH D009634, MONDO:0018997. Disease mechanism: gain of function.

Allele frequency attached by ClinVar (database versions not stated): gnomAD exomes 0.00001 and 0.00002; TOPMed 0.00001; ExAC 0.00002; gnomAD 0.00002.
gnomAD v4.1: 35 of 1,614,068 alleles (0.0022%); highest among the groups gnomAD compares: Non-Finnish European, 0.0028%; no homozygotes.

Submissions (4):

Labcorp Genetics (formerly Invitae), Labcorp
Classification: Uncertain significance for RASopathy. Last evaluated: 2025-01-06. Review status: criteria provided, single submitter. Criteria: Invitae Variant Classification Sherloc (09022015). Collection method: clinical testing. Allele origin: germline.
Comment: This sequence change replaces valine, which is neutral and non-polar, with alanine, which is neutral and non-polar, at codon 98 of the RAF1 protein (p.Val98Ala). This variant is present in population databases (rs763559779, gnomAD 0.002%). This missense change has been observed in individual(s) with clinical features of Noonan syndrome (PMID: 29907801). ClinVar contains an entry for this variant (Variation ID: 280524). Invitae Evidence Modeling of protein sequence and biophysical properties (such as structural, functional, and spatial information, amino acid conservation, physicochemical variation, residue mobility, and thermodynamic stability) indicates that this missense variant is expected to disrupt RAF1 protein function with a positive predictive value of 95%. In summary, the available evidence is currently insufficient to determine the role of this variant in disease. Therefore, it has been classified as a Variant of Uncertain Significance.

Ambry Genetics
Classification: Uncertain significance for Cardiovascular phenotype. Last evaluated: 2023-09-08. Review status: criteria provided, single submitter. Criteria: Ambry Variant Classification Scheme 2023. Collection method: clinical testing. Allele origin: germline.
Comment: The p.V98A variant (also known as c.293T>C), located in coding exon 2 of the RAF1 gene, results from a T to C substitution at nucleotide position 293. The valine at codon 98 is replaced by alanine, an amino acid with similar properties. This alteration has been reported in a postnatal cohort with a suspected diagnosis of Noonan syndrome (Leach NT et al. Genet Med, 2019 02;21:417-425). This alteration was also reported in a pediatric dilated cardiomyopathy (DCM) cohort (Khan RS et al. J Am Heart Assoc, 2022 Jan;11:e022854). This amino acid position is highly conserved in available vertebrate species. In addition, this alteration is predicted to be deleterious by in silico analysis. Since supporting evidence is limited at this time, the clinical significance of this alteration remains unclear.

GeneDx
Classification: Uncertain significance. Last evaluated: 2016-04-22. Review status: criteria provided, single submitter. Criteria: GeneDx Variant Classification (06012015). Collection method: clinical testing. Allele origin: germline. Affected: yes.
Comment: The V98A variant has not been published as a pathogenic variant, nor has it been reported as a benign variant to our knowledge. It was not observed in approximately 6,500 individuals of European and African American ancestry in the NHLBI Exome Sequencing Project, indicating it is not a common benign variant in these populations. Furthermore, this substitution occurs at a position that is conserved across species, and in silico analysis predicts this variant is probably damaging to the protein structure/function. Nonetheless, the V98A variant is a conservative amino acid substitution, which is not likely to impact secondary protein structure as these residues share similar properties.Therefore, based on the currently available information, it is unclear whether this variant is pathogenic or rare benign.

Service de Génétique Moléculaire, Hôpital Robert Debré
Classification: Likely benign for Noonan syndrome. Review status: no assertion criteria provided. Collection method: clinical testing. Allele origin: maternal. Affected: no. Not counted in ClinVar's aggregate classification.

Literature cited by the submitters: PubMed 29907801 (cited by Labcorp Genetics (formerly Invitae), Labcorp and Ambry Genetics); PubMed 34935411 (cited by Ambry Genetics).

NM_002880.4(RAF1):c.293T>C (p.Val98Ala)

Gene: RAF1 (Raf-1 proto-oncogene, serine/threonine kinase; minus strand). Cytogenetic location: 3p25.2.
Variant type: single nucleotide variant.
Coding change: c.293T>C on transcript NM_002880.4 (MANE Select); coding-DNA position 293, T replaced by C.
Protein change: p.Val98Ala; replaces valine 98 with alanine.
Molecular consequence: missense variant. On other transcripts: non-coding transcript variant (3), intron variant (4).
Genome position (GRCh38, 1-based): chr3:12,611,977, A>G on the plus strand (T>C on the coding strand, the complement: RAF1 is on the minus strand). VCF-style: chr3-12611977-A-G. GRCh37 (hg19) VCF-style: chr3-12653476-A-G.
Other names: c.293T>C, p.Val98Ala (NM_001354689.3, NM_001354690.3, NM_001354693.3); c.78-2642T>C (NM_001354695.3, NM_001354692.3, NM_001354694.3 and 1 more transcripts); short protein forms V98A.
Identifiers: ClinVar variation 280524 (VCV000280524.14), dbSNP rs763559779, ClinGen allele CA2259798.